The following is an entry in ClinVar:

NM_006736.6(DNAJB2):c.65C>A (p.Ala22Glu)

Gene: DNAJB2 (DnaJ heat shock protein family (Hsp40) member B2; plus strand). Cytogenetic location: 2q35.
Variant type: single nucleotide variant.
Coding change: c.65C>A on transcript NM_006736.6 (MANE Select); coding-DNA position 65, C replaced by A.
Protein change: p.Ala22Glu; replaces alanine 22 with glutamic acid.
Molecular consequence: missense variant.
Genome position (GRCh38, 1-based): chr2:219,279,898, C>A. VCF-style: chr2-219279898-C-A. GRCh37 (hg19) VCF-style: chr2-220144620-C-A.
Other names: c.65C>A, p.Ala22Glu (NM_001039550.2); short protein forms A22E.
Identifiers: ClinVar variation 582676 (VCV000582676.9), dbSNP rs1357690630, ClinGen allele CA350646240.

ClinVar aggregate classification (germline): Uncertain significance (1 of 4 stars; one submission).

Conditions:
Neuronopathy, distal hereditary motor, autosomal recessive 5. Also called: NEUROPATHY, DISTAL HEREDITARY MOTOR, AUTOSOMAL RECESSIVE 5; Spinal muscular atrophy, distal, autosomal recessive, 5; Young adult-onset distal hereditary motor neuropathy. Identifiers: Orphanet 314485, Orphanet 443950, MedGen C4749918, MONDO:0013947, OMIM 614881.

Allele frequency attached by ClinVar (database versions not stated): gnomAD exomes below 0.00001.
gnomAD v4.1: 8 of 1,613,900 alleles (0.0005%); highest among the groups gnomAD compares: Non-Finnish European, 0.00059%; no homozygotes.

Submission:

Labcorp Genetics (formerly Invitae), Labcorp
Classification: Uncertain significance for Neuronopathy, distal hereditary motor, autosomal recessive 5. Last evaluated: 2019-09-25. Review status: criteria provided, single submitter. Criteria: Invitae Variant Classification Sherloc (09022015). Collection method: clinical testing. Allele origin: germline.
Comment: In summary, the available evidence is currently insufficient to determine the role of this variant in disease. Therefore, it has been classified as a Variant of Uncertain Significance. Algorithms developed to predict the effect of missense changes on protein structure and function do not agree on the potential impact of this missense change (SIFT: "Deleterious"; PolyPhen-2: "Probably Damaging"; Align-GVGD: "Class C0"). This variant has not been reported in the literature in individuals with DNAJB2-related disease. This variant is not present in population databases (ExAC no frequency). This sequence change replaces alanine with glutamic acid at codon 22 of the DNAJB2 protein (p.Ala22Glu). The alanine residue is moderately conserved and there is a moderate physicochemical difference between alanine and glutamic acid.